The following is an entry in ClinVar:

ClinVar aggregate classification (germline): Uncertain significance (1 of 4 stars; one submission).

Submission:

Women's Health and Genetics/Laboratory Corporation of America, LabCorp
Classification: Uncertain significance. Last evaluated: 2022-07-29. Review status: criteria provided, single submitter. Criteria: LabCorp Variant Classification Summary - May 2015. Collection method: clinical testing. Allele origin: germline.
Comment: Variant summary: FRMPD4 c.933+3A>T alters a conserved nucleotide located close to a canonical splice site and therefore could affect mRNA splicing, leading to a significantly altered protein sequence. Several computational tools predict a significant impact on normal splicing: Three predict the variant weakens a 5' donor site. One predict the variant abolishes a 5' splicing donor site. However, these predictions have yet to be confirmed by functional studies. The variant was absent in 180643 control chromosomes (gnomAD). The available data on variant occurrences in the general population are insufficient to allow any conclusion about variant significance. To our knowledge, no occurrence of c.933+3A>T in individuals affected with X-Linked Intellectual Disability 104 and no experimental evidence demonstrating its impact on protein function have been reported. No clinical diagnostic laboratories have submitted clinical-significance assessments for this variant to ClinVar after 2014. Based on the evidence outlined above, the variant was classified as uncertain significance.

NM_001368397.1(FRMPD4):c.933+3A>T

Gene: FRMPD4 (FERM and PDZ domain containing 4; plus strand). Cytogenetic location: Xp22.2.
Variant type: single nucleotide variant.
Coding change: c.933+3A>T on transcript NM_001368397.1 (MANE Select); 3 bases into the intron after coding-DNA position 933, A replaced by T.
Molecular consequence: intron variant.
Genome position (GRCh38, 1-based): chrX:12,694,457, A>T. VCF-style: chrX-12694457-A-T. GRCh37 (hg19) VCF-style: chrX-12712576-A-T.
Other names: c.1044+3A>T (NM_001368398.3, NM_001368395.3); c.909+3A>T (NM_001368402.3, NM_001368401.1); c.813+3A>T (NM_001368400.3); c.924+3A>T (NM_001368399.3); c.933+3A>T (NM_014728.3); c.939+3A>T (NM_001368396.3).
Identifiers: ClinVar variation 1704570 (VCV001704570.1), dbSNP rs2519778985, ClinGen allele CA2580100022.